The following is an entry in ClinVar:

ClinVar aggregate classification (germline): Uncertain significance. Review status: criteria provided, single submitter (1 of 4 stars). 2 submissions from 2 submitters: Uncertain significance (1). 1 of the submissions does not count toward it. Last evaluated 2022-07-26.

Conditions:
CTU2-related disorder. Also called: CTU2-related condition.

Allele frequency attached by ClinVar (database versions not stated): ESP Exome Variant Server 0.00008; gnomAD 0.00015; gnomAD exomes 0.00015; TOPMed 0.00015; ExAC 0.00025.
gnomAD v4.1: 241 of 1,613,924 alleles (0.015%); highest among the groups gnomAD compares: Middle Eastern, 0.12%; no homozygotes.

Submissions (2):

Labcorp Genetics (formerly Invitae), Labcorp
Classification: Uncertain significance. Last evaluated: 2022-07-26. Review status: criteria provided, single submitter. Criteria: Invitae Variant Classification Sherloc (09022015). Collection method: clinical testing. Allele origin: germline.
Comment: This sequence change replaces isoleucine, which is neutral and non-polar, with lysine, which is basic and polar, at codon 40 of the CTU2 protein (p.Ile40Lys). This variant is present in population databases (rs61730430, gnomAD 0.05%). This variant has not been reported in the literature in individuals affected with CTU2-related conditions. Algorithms developed to predict the effect of missense changes on protein structure and function are either unavailable or do not agree on the potential impact of this missense change (SIFT: "Not Available"; PolyPhen-2: "Possibly Damaging"; Align-GVGD: "Not Available"). In summary, the available evidence is currently insufficient to determine the role of this variant in disease. Therefore, it has been classified as a Variant of Uncertain Significance.

PreventionGenetics, part of Exact Sciences
Classification: Uncertain significance for CTU2-related condition. Last evaluated: 2023-10-18. Review status: no assertion criteria provided. Collection method: clinical testing. Allele origin: germline. Not counted in ClinVar's aggregate classification.
Comment: The CTU2 c.119T>A variant is predicted to result in the amino acid substitution p.Ile40Lys. To our knowledge, this variant has not been reported in the literature. This variant is reported in 0.046% of alleles in individuals of South Asian descent in gnomAD. At this time, the clinical significance of this variant is uncertain due to the absence of conclusive functional and genetic evidence.

NM_001012759.3(CTU2):c.119T>A (p.Ile40Lys)

Gene: CTU2 (cytosolic thiouridylase subunit 2; plus strand). Cytogenetic location: 16q24.3.
Variant type: single nucleotide variant.
Coding change: c.119T>A on transcript NM_001012759.3 (MANE Select); coding-DNA position 119, T replaced by A.
Protein change: p.Ile40Lys; replaces isoleucine 40 with lysine.
Molecular consequence: missense variant. On other transcripts: 5 prime UTR variant (1).
Genome position (GRCh38, 1-based): chr16:88,707,186, T>A. VCF-style: chr16-88707186-T-A. GRCh37 (hg19) VCF-style: chr16-88773594-T-A.
Other names: c.119T>A, p.Ile40Lys (NM_001012762.3, NM_001318507.2); c.-64T>A (NM_001318513.2); c.119T>A (NM_001012759.2); short protein forms I40K.
Identifiers: ClinVar variation 2063448 (VCV002063448.3), dbSNP rs61730430, ClinGen allele CA8230008.